The following is an entry in ClinVar:

NC_000005.10:g.112707378G>A

Gene: APC (APC regulator of Wnt signaling pathway; plus strand). Cytogenetic location: 5q22.2.
Variant type: single nucleotide variant.
Genome position: GRCh38 VCF-style: chr5-112707378-G-A. GRCh37 (hg19) VCF-style: chr5-112043075-G-A.
Identifiers: ClinVar variation 1004961 (VCV001004961.8), dbSNP rs1243549213, ClinGen allele CA561890082.

ClinVar aggregate classification (germline): Uncertain significance (1 of 4 stars; one submission).

Conditions:
Familial adenomatous polyposis 1 (FAP1). Also called: FAMILIAL ADENOMATOUS POLYPOSIS 1, ATTENUATED; POLYPOSIS, ADENOMATOUS INTESTINAL. Identifiers: MedGen C2713442, MONDO:0021056, OMIM 175100. Disease mechanism: loss of function.

Allele frequency attached by ClinVar (database versions not stated): gnomAD 0.00001.

Submission:

Labcorp Genetics (formerly Invitae), Labcorp
Classification: Uncertain significance for Familial adenomatous polyposis 1. Last evaluated: 2026-01-25. Review status: criteria provided, single submitter. Criteria: Invitae Variant Classification Sherloc (09022015). Collection method: clinical testing. Allele origin: germline.
Comment: This variant occurs in a non-coding region of the APC gene. It does not change the encoded amino acid sequence of the APC protein. This variant is present in population databases (no rsID available, gnomAD 0.01%). This variant has not been reported in the literature in individuals affected with APC-related conditions. Experimental studies and prediction algorithms are not available or were not evaluated, and the functional significance of this variant is currently unknown. In summary, the available evidence is currently insufficient to determine the role of this variant in disease. Therefore, it has been classified as a Variant of Uncertain Significance.